The following is an entry in ClinVar:

NM_032119.4(ADGRV1):c.12181G>C (p.Val4061Leu)

Gene: ADGRV1 (adhesion G protein-coupled receptor V1; plus strand). Cytogenetic location: 5q14.3.
Variant type: single nucleotide variant.
Coding change: c.12181G>C on transcript NM_032119.4 (MANE Select); coding-DNA position 12181, G replaced by C.
Protein change: p.Val4061Leu; replaces valine 4061 with leucine.
Molecular consequence: missense variant. On other transcripts: non-coding transcript variant (1).
Genome position (GRCh38, 1-based): chr5:90,763,365, G>C. VCF-style: chr5-90763365-G-C. GRCh37 (hg19) VCF-style: chr5-90059182-G-C.
Other names: short protein forms V4061L.
Identifiers: ClinVar variation 1217686 (VCV001217686.8), dbSNP rs200816323, ClinGen allele CA3341166.

ClinVar aggregate classification (germline): Uncertain significance. Review status: criteria provided, multiple submitters, no conflicts (2 of 4 stars). 3 submissions from 3 submitters: Uncertain significance (3). Last evaluated 2025-05-20.

gnomAD v4.1: 13 of 1,611,378 alleles (0.00081%); highest among the groups gnomAD compares: East Asian, 0.0045%; no homozygotes.

Submissions (3):

GeneDx
Classification: Uncertain significance. Last evaluated: 2025-05-20. Review status: criteria provided, single submitter. Criteria: GeneDx Variant Classification Process June 2021. Collection method: clinical testing. Allele origin: germline. Affected: yes.
Comment: Not observed at significant frequency in large population cohorts (gnomAD); In silico analysis suggests that this missense variant does not alter protein structure/function; Has not been previously published as pathogenic or benign to our knowledge

Blueprint Genetics
Classification: Uncertain significance. Last evaluated: 2022-06-15. Review status: criteria provided, single submitter. Criteria: ACMG Guidelines, 2015. Collection method: clinical testing. Allele origin: germline.

Labcorp Genetics (formerly Invitae), Labcorp
Classification: Uncertain significance. Last evaluated: 2021-09-21. Review status: criteria provided, single submitter. Criteria: Invitae Variant Classification Sherloc (09022015). Collection method: clinical testing. Allele origin: germline.
Comment: This sequence change replaces valine with leucine at codon 4061 of the ADGRV1 protein (p.Val4061Leu). The valine residue is moderately conserved and there is a small physicochemical difference between valine and leucine. This variant is present in population databases (rs200816323, ExAC 0.003%). This variant has not been reported in the literature in individuals affected with ADGRV1-related conditions. Algorithms developed to predict the effect of missense changes on protein structure and function are either unavailable or do not agree on the potential impact of this missense change (SIFT: "Tolerated"; PolyPhen-2: "Possibly Damaging"; Align-GVGD: "Class C0"). In summary, the available evidence is currently insufficient to determine the role of this variant in disease. Therefore, it has been classified as a Variant of Uncertain Significance.